The following continues an entry in ClinVar:

NM_005633.4(SOS1):c.1656G>T (p.Arg552Ser)

Gene: SOS1. ClinVar aggregate classification (germline): Pathogenic. Pathogenic (1).

Submissions 7 to 12 of 12:

ARUP Laboratories, Molecular Genetics and Genomics, ARUP Laboratories
Classification: Pathogenic. Last evaluated: 2018-01-18. Review status: criteria provided, single submitter. Criteria: ARUP Molecular Germline Variant Investigation Process. Collection method: clinical testing. Allele origin: germline. Not counted in ClinVar's aggregate classification.
Comment: The SOS1: c.1656G>T; p.Arg552Ser variant has been previously reported in association with Noonan syndrome (Zenker 2007, Neumann 2009) and is listed in ClinVar as pathogenic (Variation ID: 40684). Numerous variants of the arginine at codon 552 including p.Arg552Gly, p.Arg552Lys, p.Arg552Met, p.Arg552Thr, and p.Arg552Trp have all been associated with Noonan syndrome suggesting this amino acid is important for SOS1 protein function (Tartaglia 2007, Zenker 2007, Neumann 2009). Functional studies performed on the p.Arg552Gly variant indicate that it causes persistent ERK and RAS signaling activity upon ligand stimulation consistent with the established molecular mechanisms of the disease. (Tartaglia 2007). This variant is absent from the general population databases (1000 Genomes Project, Exome Variant Server, Genome Aggregation Database), indicating it is not a common polymorphism. Based on these observations the c.1656G>T; p.Arg552Ser variant has been classified pathogenic.

Women's Health and Genetics/Laboratory Corporation of America, LabCorp
Classification: Pathogenic for Rasopathy. Last evaluated: 2017-12-30. Review status: criteria provided, single submitter. Criteria: LabCorp Variant Classification Summary - May 2015. Collection method: clinical testing. Allele origin: germline. Not counted in ClinVar's aggregate classification.
Comment: Variant summary: The SOS1 c.1656G>T (p.Arg552Ser) variant involves the alteration of a non conserved nucleotide. The variant is located within the helical linker between the PH and Rem domains (Sondermann_2005) and 5/5 in silico tools predict a damaging outcome for this variant. This variant is absent from control dataset of gnomAD (~245640 chrs tested), but was identified in several NS pts as a de novo event (Zenker_2007; Neumann_2009; Narumi_2008) and was shown to segregate in at least one familial case (Zenker_2007). Another alteration of the same nucleotide, c.1656G>C, leading to the identical alteration on the protein level, p.Arg552Ser, has been reported in multiple NS pts and is classified as Pathogenic. The codon Arg552 appears to be a mutational hot-spot, as other alteration, such as R552G, R552T, R552K, R552M have been reported in patients with NS. Taken together, this variant is classified as Pathogenic.

Fulgent Genetics
Classification: Pathogenic for Fibromatosis, gingival, 1; Noonan syndrome 4. Last evaluated: 2017-05-18. Review status: criteria provided, single submitter. Criteria: ACMG Guidelines, 2015. Collection method: clinical testing. Allele origin: unknown. Not counted in ClinVar's aggregate classification.

Laboratory for Molecular Medicine, Mass General Brigham Personalized Medicine
Classification: Pathogenic for Noonan syndrome. Last evaluated: 2008-02-01. Review status: criteria provided, single submitter. Criteria: LMM Criteria. Collection method: clinical testing. Allele origin: germline. Observed: 1 variant allele. Not counted in ClinVar's aggregate classification.

Centre of Medical Genetics, University Hospital Muenster
Classification: Pathogenic. Review status: criteria provided, single submitter. Criteria: ACMG Guidelines, 2015. Collection method: clinical testing. Allele origin: de novo. Affected: yes. Observed: 1 variant allele, 1 heterozygote. Not counted in ClinVar's aggregate classification.
Comment: ACMG categories: PS2,PM1,PM2,PP3,PP5

Baylor Genetics
Classification: Pathogenic for Rasopathy. Review status: no assertion criteria provided. Collection method: clinical testing. Allele origin: unknown. Affected: yes. Not counted in ClinVar's aggregate classification.
Comment: Variant classified using ACMG guidelines

Literature cited by the submitters: PubMed 17586837 (cited by 6 submitters); PubMed 29625050 (cited by ClinGen RASopathy Variant Curation Expert Panel); PubMed 18854871 (cited by 6 submitters); PubMed 18651097 (cited by Labcorp Genetics (formerly Invitae), Labcorp); PubMed 17143282 (cited by 3 submitters); PubMed 17143285 (cited by Labcorp Genetics (formerly Invitae), Labcorp); PubMed 19352411 (cited by Labcorp Genetics (formerly Invitae), Labcorp); PubMed 20493809 (cited by Labcorp Genetics (formerly Invitae), Labcorp); PubMed 21387466 (cited by Labcorp Genetics (formerly Invitae), Labcorp and Ambry Genetics); PubMed 23487764 (cited by Labcorp Genetics (formerly Invitae), Labcorp); PubMed 29493581 (cited by 3billion); PubMed 18925667 (cited by Women's Health and Genetics/Laboratory Corporation of America, LabCorp); PubMed 20305546 (cited by Women's Health and Genetics/Laboratory Corporation of America, LabCorp); PubMed 16267129 (cited by Women's Health and Genetics/Laboratory Corporation of America, LabCorp).